The following is an entry in ClinVar:

ClinVar aggregate classification (germline): Pathogenic (1 of 4 stars; one submission).

Submission:

CeGaT Center for Human Genetics Tuebingen
Classification: Pathogenic. Last evaluated: 2026-07-01. Review status: criteria provided, single submitter. Criteria: CeGaT Center For Human Genetics Tuebingen Variant Classification Criteria Version 2. Collection method: clinical testing. Allele origin: germline. Affected: yes. Observed: 1 variant allele.
Comment: SHANK3: PVS1, PM2

NM_001372044.2(SHANK3):c.3372_3394del (p.Ser1125fs)

Gene: SHANK3 (SH3 and multiple ankyrin repeat domains 3; plus strand). Cytogenetic location: 22q13.33.
Variant type: Deletion.
Coding change: c.3372_3394del on transcript NM_001372044.2 (MANE Select); coding-DNA positions 3372 to 3394, 23 bases deleted (CTCCCGCTCCATCGACGAGCGCC).
Protein change: p.Ser1125fs; shifts the reading frame from serine 1125.
Molecular consequence: frameshift variant.
Genome position (GRCh38, 1-based): chr22:50,720,980-50,721,002, CTCCCGCTCCATCGACGAGCGCC deleted; deleting any 23 consecutive bases within chr22:50,720,977-50,721,002 gives the same sequence; the c. name uses the placement nearest the transcript's 3' end. VCF-style (leftmost placement, unchanged base first): chr22-50720976-AGCCCTCCCGCTCCATCGACGAGC-A. GRCh37 (hg19) VCF-style: chr22-51159404-AGCCCTCCCGCTCCATCGACGAGC-A.
Other names: short protein forms S1125fs.
Identifiers: ClinVar variation 5040010 (VCV005040010.1).